The following is an entry in ClinVar:

NM_000059.4(BRCA2):c.331A>G (p.Asn111Asp)

Gene: BRCA2 (BRCA2 DNA repair associated; plus strand). Cytogenetic location: 13q13.1.
Variant type: single nucleotide variant.
Coding change: c.331A>G on transcript NM_000059.4 (MANE Select); coding-DNA position 331, A replaced by G.
Protein change: p.Asn111Asp; replaces asparagine 111 with aspartic acid.
Molecular consequence: missense variant.
Genome position (GRCh38, 1-based): chr13:32,325,090, A>G. VCF-style: chr13-32325090-A-G. GRCh37 (hg19) VCF-style: chr13-32899227-A-G.
Other names: short protein forms N111D.
Identifiers: ClinVar variation 522620 (VCV000522620.9), dbSNP rs1555280839, ClinGen allele CA387756534.

ClinVar aggregate classification (germline): Conflicting classifications of pathogenicity. Review status: criteria provided, conflicting classifications (1 of 4 stars). 3 submissions from 3 submitters: Uncertain significance (2); Likely benign (1). Last evaluated 2023-03-14.

Conditions:
Hereditary breast ovarian cancer syndrome. Also called: Hereditary breast and ovarian cancer; Breast and ovarian cancer; Hereditary breast and ovarian cancer syndrome (HBOC); BRCA1- and BRCA2-Associated Hereditary Breast and Ovarian Cancer; Hereditary breast and ovarian cancer syndrome; Hereditary breast and/or ovarian cancer syndrome. Identifiers: Orphanet 145, MedGen C0677776, MeSH D061325, MONDO:0003582. Disease mechanism: loss of function.
Breast-ovarian cancer, familial, susceptibility to, 2 (BROVCA2). Also called: BRCA2 Hereditary Breast and Ovarian Cancer. Identifiers: Orphanet 145, MedGen C2675520, MONDO:0012933, OMIM 612555. Disease mechanism: loss of function.

Submissions (3):

Labcorp Genetics (formerly Invitae), Labcorp
Classification: Uncertain significance for Hereditary breast ovarian cancer syndrome. Last evaluated: 2023-03-14. Review status: criteria provided, single submitter. Criteria: Invitae Variant Classification Sherloc (09022015). Collection method: clinical testing. Allele origin: germline.
Comment: In summary, the available evidence is currently insufficient to determine the role of this variant in disease. Therefore, it has been classified as a Variant of Uncertain Significance. Advanced modeling of protein sequence and biophysical properties (such as structural, functional, and spatial information, amino acid conservation, physicochemical variation, residue mobility, and thermodynamic stability) performed at Invitae indicates that this missense variant is not expected to disrupt BRCA2 protein function. ClinVar contains an entry for this variant (Variation ID: 522620). This missense change has been observed in individual(s) with breast cancer (PMID: 27165220). This variant is not present in population databases (gnomAD no frequency). This sequence change replaces asparagine, which is neutral and polar, with aspartic acid, which is acidic and polar, at codon 111 of the BRCA2 protein (p.Asn111Asp).

GeneDx
Classification: Uncertain significance. Last evaluated: 2019-12-05. Review status: criteria provided, single submitter. Criteria: GeneDx Variant Classification Process June 2021. Collection method: clinical testing. Allele origin: germline. Affected: yes.
Comment: In silico analysis, which includes protein predictors and evolutionary conservation, supports that this variant does not alter protein structure/function; Not observed in large population cohorts (Lek 2016); Observed in individuals with breast cancer in published literature (Yassaee 2016); Also known as 559A>G; This variant is associated with the following publications: (PMID: 27165220)

Genomic Research Center, Shahid Beheshti University of Medical Sciences
Classification: Likely benign for Breast-ovarian cancer, familial, susceptibility to, 2. Last evaluated: 2017-12-03. Review status: criteria provided, single submitter. Criteria: ACMG Guidelines, 2015. Collection method: clinical testing. Allele origin: inherited. Affected: yes.

Literature cited by the submitters: PubMed 27165220 (cited by Labcorp Genetics (formerly Invitae), Labcorp).